The following is an entry in ClinVar:

ClinVar aggregate classification (germline): Likely benign. Review status: criteria provided, single submitter (1 of 4 stars). 2 submissions from 2 submitters: Likely benign (1). 1 of the submissions does not count toward it. Last evaluated 2025-06-01.

Conditions:
ATN1-related disorder. Also called: ATN1-related disorders; ATN1-related condition.

Submissions (2):

CeGaT Center for Human Genetics Tuebingen
Classification: Likely benign. Last evaluated: 2025-06-01. Review status: criteria provided, single submitter. Criteria: CeGaT Center For Human Genetics Tuebingen Variant Classification Criteria Version 2. Collection method: clinical testing. Allele origin: germline. Affected: yes. Observed: 1 variant allele.
Comment: ATN1: PM4, BS2

PreventionGenetics, part of Exact Sciences
Classification: Likely benign for ATN1-related condition. Last evaluated: 2022-04-19. Review status: no assertion criteria provided. Collection method: clinical testing. Allele origin: germline. Not counted in ClinVar's aggregate classification.
Comment: This variant is classified as likely benign based on ACMG/AMP sequence variant interpretation guidelines (Richards et al. 2015 PMID: 25741868, with internal and published modifications).

NM_001940.4(ATN1):c.2486_2503dup (p.Glu834_Leu835insArgGluLysGluArgGlu)

Gene: ATN1 (atrophin 1; plus strand). Cytogenetic location: 12p13.31.
Variant type: Duplication.
Coding change: c.2486_2503dup on transcript NM_001940.4 (MANE Select); coding-DNA positions 2486 to 2503, 18 bases duplicated (GCGAGAAGGAGCGCGAGC).
Protein change: p.Glu834_Leu835insArgGluLysGluArgGlu.
Molecular consequence: inframe indel (on NM_001424181.1).
Genome position (GRCh38, 1-based): chr12:6,938,036-6,938,053, GCGAGAAGGAGCGCGAGC duplicated; duplicating any 18 consecutive bases within chr12:6,938,026-6,938,053 gives the same sequence; the c. name uses the placement nearest the transcript's 3' end. VCF-style (leftmost placement, unchanged base first): chr12-6938025-A-AGAGCGCGAGCGCGAGAAG. GRCh37 (hg19) VCF-style: chr12-7047188-A-AGAGCGCGAGCGCGAGAAG.
Other names: c.2486_2503dup, p.Glu834_Leu835insArgGluLysGluArgGlu (NM_001007026.2, NM_001424176.1, NM_001424177.1 and 1 more transcripts); c.2483_2500dup, p.Glu833_Leu834insArgGluLysGluArgGlu (NM_001424179.1, NM_001424180.1); c.2465_2482dup, p.Glu827_Leu828insArgGluLysGluArgGlu (NM_001424181.1); c.2462_2479dup, p.Glu826_Leu827insArgGluLysGluArgGlu (NM_001424182.1).
Identifiers: ClinVar variation 3048964 (VCV003048964.10), dbSNP rs1367398901, ClinGen allele CA6420836.